The following is an entry in ClinVar:

ClinVar aggregate classification (germline): Uncertain significance (1 of 4 stars; one submission).

Conditions:
Hereditary diffuse gastric adenocarcinoma (HDGC). Also called: DIFFUSE GASTRIC AND LOBULAR BREAST CANCER SYNDROME. Identifiers: Orphanet 26106, MedGen C1708349, MONDO:0007648, OMIM 137215.

Submission:

Labcorp Genetics (formerly Invitae), Labcorp
Classification: Uncertain significance for Hereditary diffuse gastric adenocarcinoma. Last evaluated: 2024-11-05. Review status: criteria provided, single submitter. Criteria: Invitae Variant Classification Sherloc (09022015). Collection method: clinical testing. Allele origin: germline.
Comment: This sequence change replaces aspartic acid, which is acidic and polar, with asparagine, which is neutral and polar, at codon 764 of the CDH1 protein (p.Asp764Asn). This variant is not present in population databases (gnomAD no frequency). This variant has not been reported in the literature in individuals affected with CDH1-related conditions. An algorithm developed to predict the effect of missense changes on protein structure and function (PolyPhen-2) suggests that this variant is likely to be disruptive. In summary, the available evidence is currently insufficient to determine the role of this variant in disease. Therefore, it has been classified as a Variant of Uncertain Significance.

NM_004360.5(CDH1):c.2290G>A (p.Asp764Asn)

Gene: CDH1 (cadherin 1; plus strand). Cytogenetic location: 16q22.1.
Variant type: single nucleotide variant.
Coding change: c.2290G>A on transcript NM_004360.5 (MANE Select); coding-DNA position 2290, G replaced by A.
Protein change: p.Asp764Asn; replaces aspartic acid 764 with asparagine.
Molecular consequence: missense variant.
Genome position (GRCh38, 1-based): chr16:68,828,299, G>A. VCF-style: chr16-68828299-G-A. GRCh37 (hg19) VCF-style: chr16-68862202-G-A.
Other names: c.2107G>A, p.Asp703Asn (NM_001317184.2); c.742G>A, p.Asp248Asn (NM_001317185.2); c.325G>A, p.Asp109Asn (NM_001317186.2); short protein forms D109N, D764N, D248N, D703N.
Identifiers: ClinVar variation 3671373 (VCV003671373.2).